The following is an entry in ClinVar:

ClinVar aggregate classification (germline): Uncertain significance (1 of 4 stars; one submission).

Conditions:
Inborn genetic diseases. Identifiers: MedGen C0950123, MeSH D030342.

gnomAD v4.1: 1 of 1,613,582 alleles (0.000062%); highest among the groups gnomAD compares: Non-Finnish European, 0.000085%; no homozygotes.

Submission:

Ambry Genetics
Classification: Uncertain significance for Inborn genetic diseases. Last evaluated: 2024-12-25. Review status: criteria provided, single submitter. Criteria: Ambry Variant Classification Scheme 2023. Collection method: clinical testing. Allele origin: germline.
Comment: The p.S147T variant (also known as c.439T>A), located in coding exon 3 of the MBD4 gene, results from a T to A substitution at nucleotide position 439. The serine at codon 147 is replaced by threonine, an amino acid with similar properties. This amino acid position is conserved. In addition, this alteration is predicted to be tolerated by in silico analysis. Based on the available evidence, the clinical significance of this variant remains unclear.

NM_001276270.2(MBD4):c.439T>A (p.Ser147Thr)

Gene: MBD4 (methyl-CpG binding domain 4, DNA glycosylase; minus strand). Cytogenetic location: 3q21.3.
Variant type: single nucleotide variant.
Coding change: c.439T>A on transcript NM_001276270.2 (MANE Select); coding-DNA position 439, T replaced by A.
Protein change: p.Ser147Thr; replaces serine 147 with threonine.
Molecular consequence: missense variant. On other transcripts: intron variant (1).
Genome position (GRCh38, 1-based): chr3:129,437,205, A>T on the plus strand (T>A on the coding strand, the complement: MBD4 is on the minus strand). VCF-style: chr3-129437205-A-T. GRCh37 (hg19) VCF-style: chr3-129156048-A-T.
Other names: c.439T>A, p.Ser147Thr (NM_001276271.2, NM_001276272.2, NM_003925.3); c.247+603T>A (NM_001276273.2); short protein forms S147T.
Identifiers: ClinVar variation 3870875 (VCV003870875.1).